The following is an entry in ClinVar:

NM_007050.6(PTPRT):c.2049C>T (p.Asp683=)

Gene: PTPRT (protein tyrosine phosphatase receptor type T; minus strand). Cytogenetic location: 20q12.
Variant type: single nucleotide variant.
Coding change: c.2049C>T on transcript NM_007050.6 (MANE Select); coding-DNA position 2049, C replaced by T.
Protein change: p.Asp683=; no amino-acid change (aspartic acid 683 retained).
Molecular consequence: synonymous variant.
Genome position (GRCh38, 1-based): chr20:42,315,813, G>A on the plus strand (C>T on the coding strand, the complement: PTPRT is on the minus strand). VCF-style: chr20-42315813-G-A. GRCh37 (hg19) VCF-style: chr20-40944453-G-A.
Other names: c.2049C>T, p.Asp683= (NM_001394024.1, NM_001394025.1, NM_001394026.1 and 1 more transcripts).
Identifiers: ClinVar variation 3047530 (VCV003047530.2), dbSNP rs367646009, ClinGen allele CA314976323.

ClinVar aggregate classification (germline): Likely benign (0 of 4 stars; one submission).

Conditions:
PTPRT-related disorder. Also called: PTPRT-related condition.

Allele frequency attached by ClinVar (database versions not stated): gnomAD 0.00001; TOPMed 0.00002; ESP Exome Variant Server 0.00008.
gnomAD v4.1: 1 of 1,613,922 alleles (0.000062%); highest among the groups gnomAD compares: African/African-American, 0.0013%; no homozygotes.

Submission:

PreventionGenetics, part of Exact Sciences
Classification: Likely benign for PTPRT-related condition. Last evaluated: 2019-02-20. Review status: no assertion criteria provided. Collection method: clinical testing. Allele origin: germline.
Comment: This variant is classified as likely benign based on ACMG/AMP sequence variant interpretation guidelines (Richards et al. 2015 PMID: 25741868, with internal and published modifications).